The following is an entry in ClinVar:

NM_001130987.2(DYSF):c.3849G>C (p.Gln1283His)

Gene: DYSF (dysferlin; plus strand). Cytogenetic location: 2p13.2.
Variant type: single nucleotide variant.
Coding change: c.3849G>C on transcript NM_001130987.2 (MANE Select); coding-DNA position 3849, G replaced by C.
Protein change: p.Gln1283His; replaces glutamine 1283 with histidine.
Molecular consequence: missense variant.
Genome position (GRCh38, 1-based): chr2:71,600,794, G>C. VCF-style: chr2-71600794-G-C. GRCh37 (hg19) VCF-style: chr2-71827924-G-C.
Other names: c.3798G>C, p.Gln1266His (NM_001130455.2, NM_001130983.2); c.3753G>C, p.Gln1251His (NM_001130976.2, NM_001130977.2); c.3795G>C, p.Gln1265His (NM_001130978.2, NM_003494.4); c.3888G>C, p.Gln1296His (NM_001130979.2); c.3846G>C, p.Gln1282His (NM_001130980.2, NM_001130981.2); c.3891G>C, p.Gln1297His (NM_001130982.2); c.3756G>C, p.Gln1252His (NM_001130984.2, NM_001130986.2); c.3849G>C, p.Gln1283His (NM_001130985.2); short protein forms Q1265H, Q1283H, Q1251H, Q1252H, Q1297H, Q1282H, Q1266H, Q1296H.
Identifiers: ClinVar variation 598560 (VCV000598560.12), dbSNP rs774779883, ClinGen allele CA1706724.

ClinVar aggregate classification (germline): Uncertain significance. Review status: criteria provided, multiple submitters, no conflicts (2 of 4 stars). 4 submissions from 4 submitters: Uncertain significance (3). 1 of the submissions does not count toward it. Last evaluated 2024-04-19.

Conditions:
Neuromuscular disease caused by qualitative or quantitative defects of dysferlin. Also called: Qualitative or quantitative defects of dysferlin; Dysferlinopathy. Identifiers: Orphanet 207073, MedGen C2931687, MONDO:0016145.
Autosomal recessive limb-girdle muscular dystrophy type 2B (LGMDR2). Also called: MUSCULAR DYSTROPHY, LIMB-GIRDLE, AUTOSOMAL RECESSIVE 2; Limb-Girdle Muscular Dystrophy Type 2B (LGMD2B); Limb-girdle muscular dystrophy, type 2B; MUSCULAR DYSTROPHY, LIMB-GIRDLE, TYPE 3. Identifiers: Orphanet 268, MedGen C1850889, MONDO:0009676, OMIM 253601.

Allele frequency attached by ClinVar (database versions not stated): gnomAD exomes below 0.00001; ExAC 0.00001; gnomAD 0.00001; TOPMed 0.00001.
gnomAD v4.1: 4 of 1,613,454 alleles (0.00025%); highest among the groups gnomAD compares: Admixed American, 0.0033%; no homozygotes.

Submissions (4):

Revvity Omics, Revvity
Classification: Uncertain significance. Last evaluated: 2024-04-19. Review status: criteria provided, single submitter. Criteria: ACMG Guidelines, 2015. Collection method: clinical testing. Allele origin: germline.

Labcorp Genetics (formerly Invitae), Labcorp
Classification: Uncertain significance for Neuromuscular disease caused by qualitative or quantitative defects of dysferlin. Last evaluated: 2022-07-26. Review status: criteria provided, single submitter. Criteria: Invitae Variant Classification Sherloc (09022015). Collection method: clinical testing. Allele origin: germline.
Comment: This sequence change replaces glutamine, which is neutral and polar, with histidine, which is basic and polar, at codon 1265 of the DYSF protein (p.Gln1265His). This variant is present in population databases (rs774779883, gnomAD 0.003%). This variant has not been reported in the literature in individuals affected with DYSF-related conditions. ClinVar contains an entry for this variant (Variation ID: 598560). Advanced modeling of protein sequence and biophysical properties (such as structural, functional, and spatial information, amino acid conservation, physicochemical variation, residue mobility, and thermodynamic stability) performed at Invitae indicates that this missense variant is not expected to disrupt DYSF protein function. In summary, the available evidence is currently insufficient to determine the role of this variant in disease. Therefore, it has been classified as a Variant of Uncertain Significance.

Eurofins Ntd Llc (ga)
Classification: Uncertain significance. Last evaluated: 2018-09-07. Review status: criteria provided, single submitter. Criteria: EGL ClinVar v180209 classification definitions. Collection method: clinical testing. Allele origin: germline. Observed: 1 variant allele, 1 heterozygote.

Natera, Inc.
Classification: Uncertain significance for Limb-girdle muscular dystrophy type 2B. Last evaluated: 2020-05-07. Review status: no assertion criteria provided. Collection method: clinical testing. Allele origin: germline. Not counted in ClinVar's aggregate classification.